The following is an entry in ClinVar:

ClinVar aggregate classification (germline): Uncertain significance (1 of 4 stars; one submission).

Submission:

Greenwood Genetic Center Diagnostic Laboratories, Greenwood Genetic Center
Classification: Uncertain significance. Last evaluated: 2024-06-20. Review status: criteria provided, single submitter. Criteria: ACMG Guidelines, 2015. Collection method: clinical testing. Allele origin: germline. Affected: yes.
Comment: PM2, BP4

NM_001110556.2(FLNA):c.3850G>T (p.Ala1284Ser)

Gene: FLNA (filamin A; minus strand). Cytogenetic location: Xq28.
Variant type: single nucleotide variant.
Coding change: c.3850G>T on transcript NM_001110556.2 (MANE Select); coding-DNA position 3850, G replaced by T.
Protein change: p.Ala1284Ser; replaces alanine 1284 with serine.
Molecular consequence: missense variant.
Genome position (GRCh38, 1-based): chrX:154,359,861, C>A on the plus strand (G>T on the coding strand, the complement: FLNA is on the minus strand). VCF-style: chrX-154359861-C-A. GRCh37 (hg19) VCF-style: chrX-153588229-C-A.
Other names: c.3850G>T, p.Ala1284Ser (NM_001456.4); short protein forms A1284S.
Identifiers: ClinVar variation 3338567 (VCV003338567.1).